The following is an entry in ClinVar:

ClinVar aggregate classification (germline): Uncertain significance (1 of 4 stars; one submission).

Submission:

GeneDx
Classification: Uncertain significance. Last evaluated: 2025-05-27. Review status: criteria provided, single submitter. Criteria: GeneDx Variant Classification Process June 2021. Collection method: clinical testing. Allele origin: germline. Affected: yes.
Comment: Not observed at significant frequency in large population cohorts (gnomAD); In silico analysis supports that this missense variant has a deleterious effect on protein structure/function; Has not been previously published as pathogenic or benign to our knowledge; This substitution is predicted to be within the transmembrane segment S6 of the third homologous domain

NM_001330260.2(SCN8A):c.4331T>G (p.Phe1444Cys)

Gene: SCN8A (sodium voltage-gated channel alpha subunit 8; plus strand). Cytogenetic location: 12q13.13.
Variant type: single nucleotide variant.
Coding change: c.4331T>G on transcript NM_001330260.2 (MANE Select); coding-DNA position 4331, T replaced by G.
Protein change: p.Phe1444Cys; replaces phenylalanine 1444 with cysteine.
Molecular consequence: missense variant.
Genome position (GRCh38, 1-based): chr12:51,789,330, T>G. VCF-style: chr12-51789330-T-G. GRCh37 (hg19) VCF-style: chr12-52183114-T-G.
Other names: c.4208T>G, p.Phe1403Cys (NM_001177984.3, NM_001369788.1); c.4331T>G, p.Phe1444Cys (NM_014191.4); short protein forms F1403C, F1444C.
Identifiers: ClinVar variation 4532635 (VCV004532635.1).